The following is an entry in ClinVar:

NM_001848.3(COL6A1):c.2434+3G>A

Gene: COL6A1 (collagen type VI alpha 1 chain; plus strand). Cytogenetic location: 21q22.3.
Variant type: single nucleotide variant.
Coding change: c.2434+3G>A on transcript NM_001848.3 (MANE Select); 3 bases into the intron after coding-DNA position 2434, G replaced by A.
Molecular consequence: intron variant.
Genome position (GRCh38, 1-based): chr21:46,002,713, G>A. VCF-style: chr21-46002713-G-A. GRCh37 (hg19) VCF-style: chr21-47422627-G-A.
Identifiers: ClinVar variation 4705525 (VCV004705525.1).
Genomic context (GRCh38, chr21:46,002,713, plus strand): 5'-TATGCAGAGCTGCTGGAGGATGCCTTCCTGAAGAATGTCACCGCCCAGATCTGCATAGGT[G>A]CGCATGGGGCCACCCGGGCAGTCCCAGATCTGCGTAGGTGCGCGCGGGGCCGCCCGGGCA-3'

ClinVar aggregate classification (germline): Uncertain significance (1 of 4 stars; one submission).

Conditions:
Bethlem myopathy 1A. Also called: MYOPATHY, BENIGN CONGENITAL, WITH CONTRACTURES; Bethlem myopathy 1; Bethlem Muscular Dystrophy. Identifiers: Orphanet 610, MedGen CN029274, MONDO:0024530, OMIM 158810.

gnomAD v4.1: 6 of 1,611,500 alleles (0.00037%); highest among the groups gnomAD compares: Non-Finnish European, 0.00051%; no homozygotes.

Submission:

Labcorp Genetics (formerly Invitae), Labcorp
Classification: Uncertain significance for Bethlem myopathy 1A. Last evaluated: 2025-06-30. Review status: criteria provided, single submitter. Criteria: Invitae Variant Classification Sherloc (09022015). Collection method: clinical testing. Allele origin: germline.
Comment: This sequence change falls in intron 33 of the COL6A1 gene. It does not directly change the encoded amino acid sequence of the COL6A1 protein. It affects a nucleotide within the consensus splice site. This variant is present in population databases (rs778074242, gnomAD 0.0009%). This variant has not been reported in the literature in individuals affected with COL6A1-related conditions. Variants that disrupt the consensus splice site are a relatively common cause of aberrant splicing (PMID: 17576681, 9536098). Algorithms developed to predict the effect of sequence changes on RNA splicing suggest that this variant is not likely to affect RNA splicing. In summary, the available evidence is currently insufficient to determine the role of this variant in disease. Therefore, it has been classified as a Variant of Uncertain Significance.

Literature cited by the submitters: PubMed 17576681; PubMed 9536098.